The following is an entry in ClinVar:

ClinVar aggregate classification (germline): Uncertain significance (1 of 4 stars; one submission).

Allele frequency attached by ClinVar (database versions not stated): gnomAD exomes below 0.00001; TOPMed below 0.00001; ExAC 0.00001; gnomAD 0.00001.

Submission:

Labcorp Genetics (formerly Invitae), Labcorp
Classification: Uncertain significance. Last evaluated: 2022-09-27. Review status: criteria provided, single submitter. Criteria: Invitae Variant Classification Sherloc (09022015). Collection method: clinical testing. Allele origin: germline.
Comment: Algorithms developed to predict the effect of missense changes on protein structure and function output the following: SIFT: "Deleterious"; PolyPhen-2: "Benign"; Align-GVGD: "Class C0". The asparagine amino acid residue is found in multiple mammalian species, which suggests that this missense change does not adversely affect protein function. In summary, the available evidence is currently insufficient to determine the role of this variant in disease. Therefore, it has been classified as a Variant of Uncertain Significance. This variant has not been reported in the literature in individuals affected with GPR179-related conditions. This sequence change replaces lysine, which is basic and polar, with asparagine, which is neutral and polar, at codon 793 of the GPR179 protein (p.Lys793Asn). The frequency data for this variant in the population databases is considered unreliable, as metrics indicate poor data quality at this position in the gnomAD database.

NM_001004334.4(GPR179):c.2379G>T (p.Lys793Asn)

Gene: GPR179 (G protein-coupled receptor 179; minus strand). Cytogenetic location: 17q12.
Variant type: single nucleotide variant.
Coding change: c.2379G>T on transcript NM_001004334.4 (MANE Select); coding-DNA position 2379, G replaced by T.
Protein change: p.Lys793Asn; replaces lysine 793 with asparagine.
Molecular consequence: missense variant.
Genome position (GRCh38, 1-based): chr17:38,331,190, C>A on the plus strand (G>T on the coding strand, the complement: GPR179 is on the minus strand). VCF-style: chr17-38331190-C-A. GRCh37 (hg19) VCF-style: chr17-36487073-C-A.
Other names: short protein forms K793N.
Identifiers: ClinVar variation 1714396 (VCV001714396.5), dbSNP rs779790596, ClinGen allele CA290105893.